The following is an entry in ClinVar:

ClinVar aggregate classification (germline): Uncertain significance (1 of 4 stars; one submission).

Allele frequency attached by ClinVar (database versions not stated): gnomAD 0.00003; TOPMed 0.00003; ExAC 0.00008.
gnomAD v4.1: 25 of 1,613,782 alleles (0.0015%); highest among the groups gnomAD compares: East Asian, 0.042%; no homozygotes.

Submission:

Labcorp Genetics (formerly Invitae), Labcorp
Classification: Uncertain significance. Last evaluated: 2022-06-14. Review status: criteria provided, single submitter. Criteria: Invitae Variant Classification Sherloc (09022015). Collection method: clinical testing. Allele origin: germline.
Comment: This sequence change replaces glycine, which is neutral and non-polar, with aspartic acid, which is acidic and polar, at codon 1041 of the AP3B2 protein (p.Gly1041Asp). This variant is present in population databases (rs770870307, gnomAD 0.1%). This variant has not been reported in the literature in individuals affected with AP3B2-related conditions. Algorithms developed to predict the effect of missense changes on protein structure and function (SIFT, PolyPhen-2, Align-GVGD) all suggest that this variant is likely to be tolerated. In summary, the available evidence is currently insufficient to determine the role of this variant in disease. Therefore, it has been classified as a Variant of Uncertain Significance.

NM_001278512.2(AP3B2):c.3179G>A (p.Gly1060Asp)

Genes: AP3B2 (adaptor related protein complex 3 subunit beta 2; minus strand), CPEB1-AS1 (CPEB1 antisense RNA 1; plus strand). Cytogenetic location: 15q25.2.
Variant type: single nucleotide variant.
Coding change: c.3179G>A on transcript NM_001278512.2 (MANE Select); coding-DNA position 3179, G replaced by A.
Protein change: p.Gly1060Asp; replaces glycine 1060 with aspartic acid.
Molecular consequence: missense variant.
Genome position (GRCh38, 1-based): chr15:82,659,687, C>T on the plus strand (G>A on the coding strand, the complement: AP3B2 is on the minus strand). VCF-style: chr15-82659687-C-T. GRCh37 (hg19) VCF-style: chr15-83328439-C-T.
Other names: c.3026G>A, p.Gly1009Asp (NM_001278511.2); c.311G>A, p.Gly104Asp (NM_001348441.2); c.3122G>A, p.Gly1041Asp (NM_004644.5); short protein forms G1009D, G1060D, G1041D, G104D.
Identifiers: ClinVar variation 1910875 (VCV001910875.2), dbSNP rs770870307, ClinGen allele CA7699671.